The following is an entry in ClinVar:

ClinVar aggregate classification (germline): Likely benign (1 of 4 stars; one submission).

Allele frequency attached by ClinVar (database versions not stated): gnomAD exomes 0.00001 and 0.00002; ExAC 0.00003.
gnomAD v4.1: 13 of 1,611,700 alleles (0.00081%); highest among the groups gnomAD compares: South Asian, 0.013%; no homozygotes.

Submission:

GeneDx
Classification: Likely benign. Last evaluated: 2017-02-01. Review status: criteria provided, single submitter. Criteria: GeneDx Variant Classification (06012015). Collection method: clinical testing. Allele origin: germline. Affected: yes.
Comment: This variant is considered likely benign or benign based on one or more of the following criteria: it is a conservative change, it occurs at a poorly conserved position in the protein, it is predicted to be benign by multiple in silico algorithms, and/or has population frequency not consistent with disease.

NM_005097.4(LGI1):c.673+15A>G

Gene: LGI1 (leucine rich glioma inactivated 1; plus strand). Cytogenetic location: 10q23.33.
Variant type: single nucleotide variant.
Coding change: c.673+15A>G on transcript NM_005097.4 (MANE Select); 15 bases into the intron after coding-DNA position 673, A replaced by G.
Molecular consequence: intron variant.
Genome position (GRCh38, 1-based): chr10:93,792,927, A>G. VCF-style: chr10-93792927-A-G. GRCh37 (hg19) VCF-style: chr10-95552684-A-G.
Other names: c.673+15A>G (NM_001308275.2); c.529+15A>G (NM_001308276.2).
Identifiers: ClinVar variation 507118 (VCV000507118.1), dbSNP rs761597954, ClinGen allele CA5611154.